The following is an entry in ClinVar:

ClinVar aggregate classification (germline): Likely pathogenic (0 of 4 stars; one submission).

Conditions:
IL11RA-related disorder. Also called: IL11RA-related condition.

Submission:

PreventionGenetics, part of Exact Sciences
Classification: Likely pathogenic for IL11RA-related condition. Last evaluated: 2023-12-12. Review status: no assertion criteria provided. Collection method: clinical testing. Allele origin: germline.
Comment: The IL11RA c.82dupC variant is predicted to result in a frameshift and premature protein termination (p.Gln28Profs*45). To our knowledge, this variant has not been reported in the literature or in a large population database, indicating this variant is rare. Frameshift variants in IL11RA are expected to be pathogenic. This variant is interpreted as likely pathogenic.

NM_001142784.3(IL11RA):c.82dup (p.Gln28fs)

Gene: IL11RA (interleukin 11 receptor subunit alpha; plus strand). Cytogenetic location: 9p13.3.
Variant type: Duplication.
Coding change: c.82dup on transcript NM_001142784.3 (MANE Select); coding-DNA position 82, one base duplicated (C; older notation c.82dupC).
Protein change: p.Gln28fs; shifts the reading frame from glutamine 28.
Molecular consequence: frameshift variant. On other transcripts: non-coding transcript variant (1).
Genome position (GRCh38, 1-based): chr9:34,655,299, C duplicated; the last of 5 consecutive C bases (chr9:34,655,295-34,655,299); duplicating any one gives the same sequence. VCF-style (leftmost placement, unchanged base first): chr9-34655294-G-GC. GRCh37 (hg19) VCF-style: chr9-34655291-G-GC.
Other names: short protein forms Q28fs.
Identifiers: ClinVar variation 3033581 (VCV003033581.2), dbSNP rs1821322134, ClinGen allele CA2689812337.
Genomic context (GRCh38, chr9:34,655,294, plus strand): 5'-CAGGGCTGAGCAGGGTCCTGGTGGCCGTGGCTACAGCCCTGGTGTCTGCCTCCTCCCCCT[G>GC]CCCCCAGGCCTGGGGCCCCCCAGGTGAGAAGAACCCTGCTCTACAACCTCCCAACTCTGA-3'